The following is an entry in ClinVar:

NM_015910.7(WDPCP):c.1784T>A (p.Val595Asp)

Gene: WDPCP (WD repeat containing planar cell polarity effector; minus strand). Cytogenetic location: 2p15.
Variant type: single nucleotide variant.
Coding change: c.1784T>A on transcript NM_015910.7 (MANE Select); coding-DNA position 1784, T replaced by A.
Protein change: p.Val595Asp; replaces valine 595 with aspartic acid.
Molecular consequence: missense variant. On other transcripts: non-coding transcript variant (3).
Genome position (GRCh38, 1-based): chr2:63,313,276, A>T on the plus strand (T>A on the coding strand, the complement: WDPCP is on the minus strand). VCF-style: chr2-63313276-A-T. GRCh37 (hg19) VCF-style: chr2-63540411-A-T.
Other names: c.1784T>A (NM_015910.5); c.1307T>A, p.Val436Asp (NM_001042692.3); c.1712T>A, p.Val571Asp (NM_001354044.2); short protein forms V436D, V571D, V595D.
Identifiers: ClinVar variation 1017860 (VCV001017860.10), dbSNP rs761696659, ClinGen allele CA1682117.

ClinVar aggregate classification (germline): Uncertain significance. Review status: criteria provided, multiple submitters, no conflicts (2 of 4 stars). 4 submissions from 4 submitters: Uncertain significance (4). Last evaluated 2026-03-04.

Conditions:
Bardet-Biedl syndrome 15 (BBS15). Identifiers: Orphanet 110, MedGen C3150127, MONDO:0014443, OMIM 615992.
Heart defect - tongue hamartoma - polysyndactyly syndrome. Also called: Congenital heart defects, hamartomas of tongue, and polysyndactyly. Identifiers: Orphanet 1338, MedGen C1857587, MONDO:0009008, OMIM 217085.
Bardet-Biedl syndrome (BBS). Identifiers: Orphanet 110, MedGen C0752166, MONDO:0015229.
WDPCP-related disorder. Also called: WDPCP-related condition.
Inborn genetic diseases. Identifiers: MedGen C0950123, MeSH D030342.

Allele frequency attached by ClinVar (database versions not stated): gnomAD 0.00002; TOPMed 0.00002; gnomAD exomes 0.00003; ExAC 0.00004.
gnomAD v4.1: 33 of 1,613,702 alleles (0.002%); highest among the groups gnomAD compares: Non-Finnish European, 0.0025%; no homozygotes.

Submissions (4):

PreventionGenetics, part of Exact Sciences
Classification: Uncertain significance for WDPCP-related condition. Last evaluated: 2026-03-04. Review status: criteria provided, single submitter. Criteria: ACMG Guidelines, 2015. Collection method: clinical testing. Allele origin: germline.
Comment: The WDPCP c.1784T>A variant is predicted to result in the amino acid substitution p.Val595Asp. To our knowledge, this variant has not been reported in the literature. This variant is reported in 0.0062% of alleles in individuals of European (Non-Finnish) descent in gnomAD. At this time, the clinical significance of this variant is uncertain due to the absence of conclusive functional and genetic evidence.

Labcorp Genetics (formerly Invitae), Labcorp
Classification: Uncertain significance for Bardet-Biedl syndrome. Last evaluated: 2024-11-18. Review status: criteria provided, single submitter. Criteria: Invitae Variant Classification Sherloc (09022015). Collection method: clinical testing. Allele origin: germline.
Comment: This sequence change replaces valine, which is neutral and non-polar, with aspartic acid, which is acidic and polar, at codon 595 of the WDPCP protein (p.Val595Asp). This variant is present in population databases (rs761696659, gnomAD 0.007%). This variant has not been reported in the literature in individuals affected with WDPCP-related conditions. ClinVar contains an entry for this variant (Variation ID: 1017860). Invitae Evidence Modeling of protein sequence and biophysical properties (such as structural, functional, and spatial information, amino acid conservation, physicochemical variation, residue mobility, and thermodynamic stability) has been performed for this missense variant. However, the output from this modeling did not meet the statistical confidence thresholds required to predict the impact of this variant on WDPCP protein function. In summary, the available evidence is currently insufficient to determine the role of this variant in disease. Therefore, it has been classified as a Variant of Uncertain Significance.

Fulgent Genetics
Classification: Uncertain significance for Heart defect - tongue hamartoma - polysyndactyly syndrome; Bardet-Biedl syndrome 15. Last evaluated: 2022-03-07. Review status: criteria provided, single submitter. Criteria: ACMG Guidelines, 2015. Collection method: clinical testing. Allele origin: unknown.

Ambry Genetics
Classification: Uncertain significance for Inborn genetic diseases. Last evaluated: 2021-07-15. Review status: criteria provided, single submitter. Criteria: Ambry Variant Classification Scheme 2023. Collection method: clinical testing. Allele origin: germline.